The following is an entry in ClinVar:

ClinVar aggregate classification (germline): Uncertain significance (1 of 4 stars; one submission).

Allele frequency attached by ClinVar (database versions not stated): gnomAD exomes 0.00002; TOPMed 0.00002; gnomAD 0.00003; ExAC 0.00015.
gnomAD v4.1: 35 of 1,613,670 alleles (0.0022%); highest among the groups gnomAD compares: Non-Finnish European, 0.0026%; no homozygotes.

Submission:

Women's Health and Genetics/Laboratory Corporation of America, LabCorp
Classification: Uncertain significance. Last evaluated: 2024-04-17. Review status: criteria provided, single submitter. Criteria: LabCorp Variant Classification Summary - May 2015. Collection method: clinical testing. Allele origin: germline.
Comment: Variant summary: RNF213 c.5921T>G (p.Leu1974Arg) results in a non-conservative amino acid change in the encoded protein sequence. Three of four in-silico tools predict a benign effect of the variant on protein function. The variant allele was found at a frequency of 7.2e-05 in 249196 control chromosomes. To our knowledge, no occurrence of c.5921T>G in individuals affected with Moyamoya Disease 2 and no experimental evidence demonstrating its impact on protein function have been reported. No submitters have cited clinical-significance assessments for this variant to ClinVar. Based on the evidence outlined above, the variant was classified as uncertain significance.

NM_001256071.3(RNF213):c.5921T>G (p.Leu1974Arg)

Gene: RNF213 (ring finger protein 213; plus strand). Cytogenetic location: 17q25.3.
Variant type: single nucleotide variant.
Coding change: c.5921T>G on transcript NM_001256071.3 (MANE Select); coding-DNA position 5921, T replaced by G.
Protein change: p.Leu1974Arg; replaces leucine 1974 with arginine.
Molecular consequence: missense variant.
Genome position (GRCh38, 1-based): chr17:80,340,288, T>G. VCF-style: chr17-80340288-T-G. GRCh37 (hg19) VCF-style: chr17-78314088-T-G.
Other names: c.6068T>G, p.Leu2023Arg (NM_001410195.1, NM_020914.5); short protein forms L1974R, L2023R.
Identifiers: ClinVar variation 3251894 (VCV003251894.1), dbSNP rs773557485.
Genomic context (GRCh38, chr17:80,340,288, plus strand): 5'-CACCCCTCGAGGCCATCCAAGCCTACCTGGCAGGTCACTACCGGGTCCCGAAGCAGACCC[T>G]GTCGGCGGCAGCCGTGTTCAATGACCGGCTGTGTGTTGGGATCGTGGCCTCGGAGCGAGC-3'
Protein context (NP_001243000.2, residues 1964-1984): AGHYRVPKQT[Leu1974Arg]SAAAVFNDRL